The following is an entry in ClinVar:

ClinVar aggregate classification (germline): Uncertain significance (1 of 4 stars; one submission).

Conditions:
Cranium bifidum occultum. Also called: Enlarged Parietal Foramina; CATLIN MARKS; CRANIUM BIFIDUM, HEREDITARY. Identifiers: MedGen C1868598, HP:0004423.

Allele frequency attached by ClinVar (database versions not stated): gnomAD exomes below 0.00001.
gnomAD v4.1: 4 of 1,613,344 alleles (0.00025%); highest among the groups gnomAD compares: Non-Finnish European, 0.00034%; no homozygotes.

Submission:

Labcorp Genetics (formerly Invitae), Labcorp
Classification: Uncertain significance for Cranium bifidum occultum. Last evaluated: 2023-02-01. Review status: criteria provided, single submitter. Criteria: Invitae Variant Classification Sherloc (09022015). Collection method: clinical testing. Allele origin: germline.
Comment: This variant is present in population databases (no rsID available, gnomAD 0.0009%). This variant has not been reported in the literature in individuals affected with MSX2-related conditions. Algorithms developed to predict the effect of missense changes on protein structure and function are either unavailable or do not agree on the potential impact of this missense change (SIFT: "Deleterious"; PolyPhen-2: "Probably Damaging"; Align-GVGD: "Class C0"). In summary, the available evidence is currently insufficient to determine the role of this variant in disease. Therefore, it has been classified as a Variant of Uncertain Significance. This sequence change replaces tyrosine, which is neutral and polar, with cysteine, which is neutral and slightly polar, at codon 255 of the MSX2 protein (p.Tyr255Cys).

NM_002449.5(MSX2):c.764A>G (p.Tyr255Cys)

Gene: MSX2 (msh homeobox 2; plus strand). Cytogenetic location: 5q35.2.
Variant type: single nucleotide variant.
Coding change: c.764A>G on transcript NM_002449.5 (MANE Select); coding-DNA position 764, A replaced by G.
Protein change: p.Tyr255Cys; replaces tyrosine 255 with cysteine.
Molecular consequence: missense variant. On other transcripts: 3 prime UTR variant (1).
Genome position (GRCh38, 1-based): chr5:174,729,543, A>G. VCF-style: chr5-174729543-A-G. GRCh37 (hg19) VCF-style: chr5-174156546-A-G.
Other names: c.*388A>G (NM_001363626.2); short protein forms Y255C.
Identifiers: ClinVar variation 2897049 (VCV002897049.3), dbSNP rs1227466459, ClinGen allele CA362230573.